The following is an entry in ClinVar:

NM_015443.4(KANSL1):c.1533+135T>C

Gene: KANSL1 (KAT8 regulatory NSL complex subunit 1). Cytogenetic location: 17q21.31.
Variant type: single nucleotide variant.
Coding change: c.1533+135T>C on transcript NM_015443.4 (MANE Select); 135 bases into the intron after coding-DNA position 1533, T replaced by C.
Molecular consequence: intron variant.
Genome position (GRCh38, 1-based): chr17:46,082,306, A>G on the plus strand (T>C on the coding strand, the complement: KANSL1 is on the minus strand). VCF-style: chr17-46082306-A-G. GRCh37 (hg19) VCF-style: chr17-44159672-A-G.
Other names: c.1533+135T>C (NM_001193465.2, NM_001379198.1, NM_001193466.2).
Identifiers: ClinVar variation 670407 (VCV000670407.1), dbSNP rs111519055, ClinGen allele CA15893305.

ClinVar aggregate classification (germline): Benign (1 of 4 stars; one submission).

Allele frequency attached by ClinVar (database versions not stated): 1000 Genomes Project 30x 0.08542; 1000 Genomes Project 0.08626; gnomAD 0.12569; TOPMed 0.14812.
gnomAD v4.1: 85,652 of 571,898 alleles (15%); highest among the groups gnomAD compares: Middle Eastern, 20%; 8,147 homozygotes.

Submission:

GeneDx
Classification: Benign. Last evaluated: 2018-06-14. Review status: criteria provided, single submitter. Criteria: GeneDx Variant Classification (06012015). Collection method: clinical testing. Allele origin: germline. Affected: yes.
Comment: This variant is considered likely benign or benign based on one or more of the following criteria: it is a conservative change, it occurs at a poorly conserved position in the protein, it is predicted to be benign by multiple in silico algorithms, and/or has population frequency not consistent with disease.